The following is an entry in ClinVar:

NM_018180.3(DHX32):c.775A>G (p.Ile259Val)

Gene: DHX32 (DEAH-box helicase 32 (putative); minus strand). Cytogenetic location: 10q26.2.
Variant type: single nucleotide variant.
Coding change: c.775A>G on transcript NM_018180.3 (MANE Select); coding-DNA position 775, A replaced by G.
Protein change: p.Ile259Val; replaces isoleucine 259 with valine.
Molecular consequence: missense variant.
Genome position (GRCh38, 1-based): chr10:125,859,677, T>C on the plus strand (A>G on the coding strand, the complement: DHX32 is on the minus strand). VCF-style: chr10-125859677-T-C. GRCh37 (hg19) VCF-style: chr10-127548246-T-C.
Other names: short protein forms I259V.
Identifiers: ClinVar variation 2785894 (VCV002785894.3), dbSNP rs985619832, ClinGen allele CA215352847.
Genomic context (GRCh38, chr10:125,859,677, plus strand): 5'-GAAAGACTACAATGTCACCTTTCTCACCCGAGTGGTGAATTTCAAAGATAAGGCGTAAAA[T>C]AGACTCAAAAGAATCCTTTTGAGCCTCACTAAGGTACACAACCTCCACAGGGTGTTTATT-3'
Protein context (NP_060650.2, residues 249-269): SEAQKDSFES[Ile259Val]LRLIFEIHHS

ClinVar aggregate classification (germline): Uncertain significance (1 of 4 stars; one submission).

Allele frequency attached by ClinVar (database versions not stated): gnomAD 0.00001; gnomAD exomes 0.00001; TOPMed 0.00003.
gnomAD v4.1: 7 of 1,613,296 alleles (0.00043%); highest among the groups gnomAD compares: East Asian, 0.011%; no homozygotes.

Submission:

Labcorp Genetics (formerly Invitae), Labcorp
Classification: Uncertain significance. Last evaluated: 2023-10-03. Review status: criteria provided, single submitter. Criteria: Invitae Variant Classification Sherloc (09022015). Collection method: clinical testing. Allele origin: germline.
Comment: This sequence change replaces isoleucine, which is neutral and non-polar, with valine, which is neutral and non-polar, at codon 259 of the DHX32 protein (p.Ile259Val). This variant is present in population databases (no rsID available, gnomAD 0.02%). This variant has not been reported in the literature in individuals affected with DHX32-related conditions. Algorithms developed to predict the effect of missense changes on protein structure and function output the following: SIFT: "Not Available"; PolyPhen-2: "Benign"; Align-GVGD: "Not Available". The valine amino acid residue is found in multiple mammalian species, which suggests that this missense change does not adversely affect protein function. In summary, the available evidence is currently insufficient to determine the role of this variant in disease. Therefore, it has been classified as a Variant of Uncertain Significance.